The following is an entry in ClinVar:

NM_001042492.3(NF1):c.2664T>C (p.Asp888=)

Gene: NF1 (neurofibromin 1; plus strand). Cytogenetic location: 17q11.2.
Variant type: single nucleotide variant.
Coding change: c.2664T>C on transcript NM_001042492.3 (MANE Select); coding-DNA position 2664, T replaced by C.
Protein change: p.Asp888=; no amino-acid change (aspartic acid 888 retained).
Molecular consequence: synonymous variant.
Genome position (GRCh38, 1-based): chr17:31,229,279, T>C. VCF-style: chr17-31229279-T-C. GRCh37 (hg19) VCF-style: chr17-29556297-T-C.
Other names: c.2664T>C, p.Asp888= (NM_000267.4).
Identifiers: ClinVar variation 4085770 (VCV004085770.8).

ClinVar aggregate classification (germline): Likely benign (1 of 4 stars; one submission).

Submission:

CeGaT Center for Human Genetics Tuebingen
Classification: Likely benign. Last evaluated: 2025-08-01. Review status: criteria provided, single submitter. Criteria: CeGaT Center For Human Genetics Tuebingen Variant Classification Criteria Version 2. Collection method: clinical testing. Allele origin: germline. Affected: yes. Observed: 1 variant allele.
Comment: NF1: PM2:Supporting, BP4, BP7